The following is an entry in ClinVar:

NM_022124.6(CDH23):c.5477G>C (p.Arg1826Pro)

Gene: CDH23 (cadherin related 23; plus strand). Cytogenetic location: 10q22.1.
Variant type: single nucleotide variant.
Coding change: c.5477G>C on transcript NM_022124.6 (MANE Select); coding-DNA position 5477, G replaced by C.
Protein change: p.Arg1826Pro; replaces arginine 1826 with proline.
Molecular consequence: missense variant.
Genome position (GRCh38, 1-based): chr10:71,784,395, G>C. VCF-style: chr10-71784395-G-C. GRCh37 (hg19) VCF-style: chr10-73544152-G-C.
Other names: short protein forms R1826P.
Identifiers: ClinVar variation 1422259 (VCV001422259.6), dbSNP rs780097768, ClinGen allele CA377145344.

ClinVar aggregate classification (germline): Uncertain significance. Review status: criteria provided, multiple submitters, no conflicts (2 of 4 stars). 2 submissions from 2 submitters: Uncertain significance (2). Last evaluated 2024-02-17.

gnomAD v4.1: 19 of 1,613,404 alleles (0.0012%); highest among the groups gnomAD compares: Non-Finnish European, 0.0016%; no homozygotes.

Submissions (2):

Labcorp Genetics (formerly Invitae), Labcorp
Classification: Uncertain significance. Last evaluated: 2024-02-17. Review status: criteria provided, single submitter. Criteria: Invitae Variant Classification Sherloc (09022015). Collection method: clinical testing. Allele origin: germline.
Comment: This sequence change replaces arginine, which is basic and polar, with proline, which is neutral and non-polar, at codon 1826 of the CDH23 protein (p.Arg1826Pro). This variant is present in population databases (no rsID available, gnomAD 0.0009%). This variant has not been reported in the literature in individuals affected with CDH23-related conditions. ClinVar contains an entry for this variant (Variation ID: 1422259). Advanced modeling of protein sequence and biophysical properties (such as structural, functional, and spatial information, amino acid conservation, physicochemical variation, residue mobility, and thermodynamic stability) performed at Invitae indicates that this missense variant is not expected to disrupt CDH23 protein function with a negative predictive value of 95%. In summary, the available evidence is currently insufficient to determine the role of this variant in disease. Therefore, it has been classified as a Variant of Uncertain Significance.

Blueprint Genetics
Classification: Uncertain significance. Last evaluated: 2023-02-23. Review status: criteria provided, single submitter. Criteria: ACMG Guidelines, 2015. Collection method: clinical testing. Allele origin: germline.